The following is an entry in ClinVar:

ClinVar aggregate classification (germline): Uncertain significance. Review status: criteria provided, multiple submitters, no conflicts (2 of 4 stars). 2 submissions from 2 submitters: Uncertain significance (2). Last evaluated 2025-08-08.

Conditions:
Inborn genetic diseases. Identifiers: MedGen C0950123, MeSH D030342.

Allele frequency attached by ClinVar (database versions not stated): gnomAD exomes below 0.00001; ExAC 0.00002.
gnomAD v4.1: 4 of 1,608,470 alleles (0.00025%); highest among the groups gnomAD compares: Non-Finnish European, 0.00034%; no homozygotes.

Submissions (2):

Ambry Genetics
Classification: Uncertain significance for Inborn genetic diseases. Last evaluated: 2025-08-08. Review status: criteria provided, single submitter. Criteria: Ambry Variant Classification Scheme 2023. Collection method: clinical testing. Allele origin: germline.

Labcorp Genetics (formerly Invitae), Labcorp
Classification: Uncertain significance. Last evaluated: 2022-04-08. Review status: criteria provided, single submitter. Criteria: Invitae Variant Classification Sherloc (09022015). Collection method: clinical testing. Allele origin: germline.
Comment: In summary, the available evidence is currently insufficient to determine the role of this variant in disease. Therefore, it has been classified as a Variant of Uncertain Significance. Algorithms developed to predict the effect of missense changes on protein structure and function (SIFT, PolyPhen-2, Align-GVGD) all suggest that this variant is likely to be disruptive. This variant has not been reported in the literature in individuals affected with NBAS-related conditions. This variant is present in population databases (rs779602732, gnomAD 0.002%). This sequence change replaces proline, which is neutral and non-polar, with serine, which is neutral and polar, at codon 362 of the NBAS protein (p.Pro362Ser).

NM_015909.4(NBAS):c.1084C>T (p.Pro362Ser)

Gene: NBAS (NBAS subunit of NRZ tethering complex; minus strand). Cytogenetic location: 2p24.3.
Variant type: single nucleotide variant.
Coding change: c.1084C>T on transcript NM_015909.4 (MANE Select); coding-DNA position 1084, C replaced by T.
Protein change: p.Pro362Ser; replaces proline 362 with serine.
Molecular consequence: missense variant. On other transcripts: non-coding transcript variant (1).
Genome position (GRCh38, 1-based): chr2:15,478,289, G>A on the plus strand (C>T on the coding strand, the complement: NBAS is on the minus strand). VCF-style: chr2-15478289-G-A. GRCh37 (hg19) VCF-style: chr2-15618413-G-A.
Other names: c.1084C>T (NM_015909.2); short protein forms P362S.
Identifiers: ClinVar variation 1968189 (VCV001968189.5), dbSNP rs779602732, ClinGen allele CA1536793.